The following is an entry in ClinVar:

NM_016604.4(KDM3B):c.2594C>T (p.Ala865Val)

Gene: KDM3B (lysine demethylase 3B; plus strand). Cytogenetic location: 5q31.2.
Variant type: single nucleotide variant.
Coding change: c.2594C>T on transcript NM_016604.4 (MANE Select); coding-DNA position 2594, C replaced by T.
Protein change: p.Ala865Val; replaces alanine 865 with valine.
Molecular consequence: missense variant.
Genome position (GRCh38, 1-based): chr5:138,392,226, C>T. VCF-style: chr5-138392226-C-T. GRCh37 (hg19) VCF-style: chr5-137727915-C-T.
Other names: short protein forms A865V.
Identifiers: ClinVar variation 2636317 (VCV002636317.2), dbSNP rs1207006411, ClinGen allele CA361110542.

ClinVar aggregate classification (germline): Uncertain significance. Review status: criteria provided, multiple submitters, no conflicts (2 of 4 stars). 2 submissions from 2 submitters: Uncertain significance (2). Last evaluated 2025-06-18.

Conditions:
KDM3B-related disorder. Also called: KDM3B-related condition.
Inborn genetic diseases. Identifiers: MedGen C0950123, MeSH D030342.

Allele frequency attached by ClinVar (database versions not stated): gnomAD 0.00002; TOPMed 0.00008.
gnomAD v4.1: 6 of 1,503,092 alleles (0.0004%); highest among the groups gnomAD compares: Admixed American, 0.009%; no homozygotes.

Submissions (2):

Ambry Genetics
Classification: Uncertain significance for Inborn genetic diseases. Last evaluated: 2025-06-18. Review status: criteria provided, single submitter. Criteria: Ambry Variant Classification Scheme 2023. Collection method: clinical testing. Allele origin: germline.

PreventionGenetics, part of Exact Sciences
Classification: Uncertain significance for KDM3B-related condition. Last evaluated: 2022-12-07. Review status: criteria provided, single submitter. Criteria: ACMG Guidelines, 2015. Collection method: clinical testing. Allele origin: germline.
Comment: The KDM3B c.2594C>T variant is predicted to result in the amino acid substitution p.Ala865Val. To our knowledge, this variant has not been reported in the literature. This variant is reported in 0.011% of alleles in individuals of African descent in gnomAD. At this time, the clinical significance of this variant is uncertain due to the absence of conclusive functional and genetic evidence.